The following is an entry in ClinVar:

ClinVar aggregate classification (germline): Uncertain significance. Review status: criteria provided, multiple submitters, no conflicts (2 of 4 stars). 2 submissions from 2 submitters: Uncertain significance (2). Last evaluated 2024-03-15.

Conditions:
Autosomal recessive limb-girdle muscular dystrophy type 2Q (LGMDR17). Also called: MUSCULAR DYSTROPHY, LIMB-GIRDLE, AUTOSOMAL RECESSIVE 17. Identifiers: Orphanet 254361, MedGen C3150989, MONDO:0013390, OMIM 613723.
Epidermolysis bullosa simplex with nail dystrophy (EBS5D). Identifiers: MedGen C4225309, MONDO:0014661, OMIM 616487.
Epidermolysis bullosa simplex 5B, with muscular dystrophy (EBS5B). Also called: EPIDERMOLYSIS BULLOSA SIMPLEX AND LIMB-GIRDLE MUSCULAR DYSTROPHY; Epidermolysis bullosa simplex with muscular dystrophy. Identifiers: Orphanet 257, MedGen C2931072, MONDO:0009181, OMIM 226670.
Epidermolysis bullosa simplex, Ogna type (EBS5A). Also called: Pidermolysis bullosa simplex 5A, Ogna type; EPIDERMOLYSIS BULLOSA SIMPLEX 5A, OGNA TYPE. Identifiers: Orphanet 79401, MedGen C0432317, MONDO:0007555, OMIM 131950.
Epidermolysis bullosa simplex 5C, with pyloric atresia (EBS5C). Also called: PLEC-Related Epidermolysis Bullosa with Pyloric Atresia; Epidermolysis bullosa simplex with pyloric atresia; PLEC1-Related Epidermolysis Bullosa with Pyloric Atresia. Identifiers: Orphanet 158684, MedGen C2677349, MONDO:0012807, OMIM 612138.

Allele frequency attached by ClinVar (database versions not stated): TOPMed below 0.00001; gnomAD exomes 0.00001; ExAC 0.00002.
gnomAD v4.1: 9 of 1,604,788 alleles (0.00056%); highest among the groups gnomAD compares: Non-Finnish European, 0.00076%; no homozygotes.

Submissions (2):

Blueprint Genetics
Classification: Uncertain significance. Last evaluated: 2024-03-15. Review status: criteria provided, single submitter. Criteria: ACMG Guidelines, 2015. Collection method: clinical testing. Allele origin: germline.

Labcorp Genetics (formerly Invitae), Labcorp
Classification: Uncertain significance for Autosomal recessive limb-girdle muscular dystrophy type 2Q; Epidermolysis bullosa simplex, Ogna type; Epidermolysis bullosa simplex with nail dystrophy; Epidermolysis bullosa simplex 5C, with pyloric atresia; Epidermolysis bullosa simplex 5B, with muscular dystrophy. Last evaluated: 2023-11-10. Review status: criteria provided, single submitter. Criteria: Invitae Variant Classification Sherloc (09022015). Collection method: clinical testing. Allele origin: germline.
Comment: This sequence change replaces alanine, which is neutral and non-polar, with threonine, which is neutral and polar, at codon 2297 of the PLEC protein (p.Ala2297Thr). The frequency data for this variant in the population databases is considered unreliable, as metrics indicate poor data quality at this position in the gnomAD database. This variant has not been reported in the literature in individuals affected with PLEC-related conditions. An algorithm developed to predict the effect of missense changes on protein structure and function (PolyPhen-2) suggests that this variant is likely to be disruptive. In summary, the available evidence is currently insufficient to determine the role of this variant in disease. Therefore, it has been classified as a Variant of Uncertain Significance.

NM_201384.3(PLEC):c.6808G>A (p.Ala2270Thr)

Gene: PLEC (plectin; minus strand). Cytogenetic location: 8q24.3.
Variant type: single nucleotide variant.
Coding change: c.6808G>A on transcript NM_201384.3 (MANE Select); coding-DNA position 6808, G replaced by A.
Protein change: p.Ala2270Thr; replaces alanine 2270 with threonine.
Molecular consequence: missense variant. On other transcripts: intron variant (1).
Genome position (GRCh38, 1-based): chr8:143,923,121, C>T on the plus strand (G>A on the coding strand, the complement: PLEC is on the minus strand). VCF-style: chr8-143923121-C-T. GRCh37 (hg19) VCF-style: chr8-144997289-C-T.
Other names: c.6889G>A, p.Ala2297Thr (NM_000445.5); c.6766G>A, p.Ala2256Thr (NM_201378.4); c.6742G>A, p.Ala2248Thr (NM_201379.3); c.7219G>A, p.Ala2407Thr (NM_201380.4); c.6712G>A, p.Ala2238Thr (NM_201381.3); c.6808G>A, p.Ala2270Thr (NM_201382.4); c.6820G>A, p.Ala2274Thr (NM_201383.3); c.4126-726G>A (NM_001410941.1); short protein forms A2238T, A2248T, A2270T, A2274T, A2297T, A2256T, A2407T.
Identifiers: ClinVar variation 2924158 (VCV002924158.4), dbSNP rs782475239, ClinGen allele CA4925851.